The following is an entry in ClinVar:

NM_000540.3(RYR1):c.1007del (p.Pro336fs)

Gene: RYR1 (ryanodine receptor 1; plus strand). Cytogenetic location: 19q13.2.
Variant type: Deletion.
Coding change: c.1007del on transcript NM_000540.3 (MANE Select); coding-DNA position 1007, one base deleted (C; older notation c.1007delC).
Protein change: p.Pro336fs; shifts the reading frame from proline 336.
Molecular consequence: frameshift variant.
Genome position (GRCh38, 1-based): chr19:38,448,698, C deleted; the last of 6 consecutive C bases (chr19:38,448,693-38,448,698); deleting any one gives the same sequence. VCF-style (leftmost placement, unchanged base first): chr19-38448692-GC-G. GRCh37 (hg19) VCF-style: chr19-38939332-GC-G.
Other names: c.1007del, p.Pro336fs (NM_001042723.2); short protein forms P336fs.
Identifiers: ClinVar variation 2762728 (VCV002762728.3), dbSNP rs2513997081, ClinGen allele CA2697556531.

ClinVar aggregate classification (germline): Pathogenic (1 of 4 stars; one submission).

Conditions:
RYR1-related disorder. Also called: RYR1-related condition; RYR1-related disorders. Identifiers: MedGen CN239331.

Submission:

Labcorp Genetics (formerly Invitae), Labcorp
Classification: Pathogenic for RYR1-related disorder. Last evaluated: 2023-11-28. Review status: criteria provided, single submitter. Criteria: Invitae Variant Classification Sherloc (09022015). Collection method: clinical testing. Allele origin: germline.
Comment: This sequence change creates a premature translational stop signal (p.Pro336Leufs*54) in the RYR1 gene. It is expected to result in an absent or disrupted protein product. Loss-of-function variants in RYR1 are known to be pathogenic (PMID: 23919265, 25960145, 28818389, 30611313). This variant is not present in population databases (gnomAD no frequency). This variant has not been reported in the literature in individuals affected with RYR1-related conditions. For these reasons, this variant has been classified as Pathogenic.

Literature cited by the submitters: PubMed 23919265; PubMed 25960145; PubMed 28818389; PubMed 30611313.